The following is an entry in ClinVar:

ClinVar aggregate classification (germline): Uncertain significance (1 of 4 stars; one submission).

gnomAD v4.1: 7 of 1,580,938 alleles (0.00044%); highest among the groups gnomAD compares: Non-Finnish European, 0.0006%; no homozygotes.

Submission:

GeneDx
Classification: Uncertain significance. Last evaluated: 2024-05-23. Review status: criteria provided, single submitter. Criteria: GeneDx Variant Classification Process June 2021. Collection method: clinical testing. Allele origin: germline. Affected: yes.
Comment: Not observed at significant frequency in large population cohorts (gnomAD); In silico analysis indicates that this missense variant does not alter protein structure/function; Has not been previously published as pathogenic or benign to our knowledge

NM_015065.3(EXPH5):c.4036G>C (p.Glu1346Gln)

Gene: EXPH5 (exophilin 5; minus strand). Cytogenetic location: 11q22.3.
Variant type: single nucleotide variant.
Coding change: c.4036G>C on transcript NM_015065.3 (MANE Select); coding-DNA position 4036, G replaced by C.
Protein change: p.Glu1346Gln; replaces glutamic acid 1346 with glutamine.
Molecular consequence: missense variant.
Genome position (GRCh38, 1-based): chr11:108,511,471, C>G on the plus strand (G>C on the coding strand, the complement: EXPH5 is on the minus strand). VCF-style: chr11-108511471-C-G. GRCh37 (hg19) VCF-style: chr11-108382198-C-G.
Other names: c.3808G>C, p.Glu1270Gln (NM_001144763.2); c.3568G>C, p.Glu1190Gln (NM_001144764.2); c.3472G>C, p.Glu1158Gln (NM_001144765.2); c.4015G>C, p.Glu1339Gln (NM_001308019.2); short protein forms E1158Q, E1190Q, E1270Q, E1339Q, E1346Q.
Identifiers: ClinVar variation 3383570 (VCV003383570.1).